The following is an entry in ClinVar:

ClinVar aggregate classification (germline): Likely benign. Review status: criteria provided, multiple submitters, no conflicts (2 of 4 stars). 2 submissions from 2 submitters: Likely benign (2). Last evaluated 2025-05-12.

Conditions:
EP300-related disorder. Also called: EP300-related condition; EP300-related disorders.
Rubinstein-Taybi syndrome due to EP300 haploinsufficiency. Also called: EP300-Related Rubinstein-Taybi Syndrome; RUBINSTEIN-TAYBI SYNDROME 2. Identifiers: Orphanet 353284, Orphanet 783, MedGen C3150941, MONDO:0013364, OMIM 613684.

Allele frequency attached by ClinVar (database versions not stated): gnomAD exomes below 0.00001.

Submissions (2):

PreventionGenetics, part of Exact Sciences
Classification: Likely benign for EP300-related condition. Last evaluated: 2025-05-12. Review status: criteria provided, single submitter. Criteria: ACMG Guidelines, 2015. Collection method: clinical testing. Allele origin: germline.
Comment: This variant is classified as likely benign based on ACMG/AMP sequence variant interpretation guidelines (Richards et al. 2015 PMID: 25741868, with internal and published modifications).

Labcorp Genetics (formerly Invitae), Labcorp
Classification: Likely benign for Rubinstein-Taybi syndrome due to EP300 haploinsufficiency. Last evaluated: 2023-12-09. Review status: criteria provided, single submitter. Criteria: Invitae Variant Classification Sherloc (09022015). Collection method: clinical testing. Allele origin: germline.

NM_001429.4(EP300):c.3819T>C (p.Asp1273=)

Gene: EP300 (EP300 lysine acetyltransferase; plus strand). Cytogenetic location: 22q13.2.
Variant type: single nucleotide variant.
Coding change: c.3819T>C on transcript NM_001429.4 (MANE Select); coding-DNA position 3819, T replaced by C.
Protein change: p.Asp1273=; no amino-acid change (aspartic acid 1273 retained).
Molecular consequence: synonymous variant.
Genome position (GRCh38, 1-based): chr22:41,166,611, T>C. VCF-style: chr22-41166611-T-C. GRCh37 (hg19) VCF-style: chr22-41562615-T-C.
Other names: c.3741T>C, p.Asp1247= (NM_001362843.2); c.3819T>C (NM_001429.3).
Identifiers: ClinVar variation 2732865 (VCV002732865.4), dbSNP rs2145759320, ClinGen allele CA514648203.